The following is an entry in ClinVar:

ClinVar aggregate classification (germline): Likely benign. Review status: criteria provided, multiple submitters, no conflicts (2 of 4 stars). 2 submissions from 2 submitters: Likely benign (2). Last evaluated 2024-02-23.

Conditions:
Hypokalemic periodic paralysis, type 1. Also called: Hypokalemic Periodic Paralysis Type 1 (AD); HypoPP. Identifiers: Orphanet 681, MedGen C3714580, MONDO:0042979, OMIM 170400.
Malignant hyperthermia, susceptibility to, 5 (MHS5). Also called: CACNA1S-Related Malignant Hyperthermia Susceptibility. Identifiers: Orphanet 423, MedGen C1866077, MONDO:0011163, OMIM 601887.

Allele frequency attached by ClinVar (database versions not stated): gnomAD 0.00001; gnomAD exomes 0.00001; TOPMed 0.00001.
gnomAD v4.1: 12 of 1,613,342 alleles (0.00074%); highest among the groups gnomAD compares: Non-Finnish European, 0.00093%; no homozygotes.

Submissions (2):

Labcorp Genetics (formerly Invitae), Labcorp
Classification: Likely benign for Hypokalemic periodic paralysis, type 1; Malignant hyperthermia, susceptibility to, 5. Last evaluated: 2024-02-23. Review status: criteria provided, single submitter. Criteria: Invitae Variant Classification Sherloc (09022015). Collection method: clinical testing. Allele origin: germline.

All of Us Research Program, National Institutes of Health
Classification: Likely benign for Malignant hyperthermia, susceptibility to, 5. Last evaluated: 2023-12-13. Review status: criteria provided, single submitter. Criteria: ACMG Guidelines, 2015. Collection method: clinical testing. Allele origin: germline. Inheritance: Autosomal dominant inheritance. Observed: 1 variant allele, 1 heterozygote.
Comment: This study involves interpretation of variants in research participants for the purpose of population health screening. Participant phenotype was not available at the time of variant classification. Additional details can be found in publication PMID: 35346344, PMCID: PMC8962531

NM_000069.3(CACNA1S):c.5058T>C (p.Tyr1686=)

Gene: CACNA1S (calcium voltage-gated channel subunit alpha1 S; minus strand). Cytogenetic location: 1q32.1.
Variant type: single nucleotide variant.
Coding change: c.5058T>C on transcript NM_000069.3 (MANE Select); coding-DNA position 5058, T replaced by C.
Protein change: p.Tyr1686=; no amino-acid change (tyrosine 1686 retained).
Molecular consequence: synonymous variant.
Genome position (GRCh38, 1-based): chr1:201,041,580, A>G on the plus strand (T>C on the coding strand, the complement: CACNA1S is on the minus strand). VCF-style: chr1-201041580-A-G. GRCh37 (hg19) VCF-style: chr1-201010708-A-G.
Identifiers: ClinVar variation 797826 (VCV000797826.12), dbSNP rs1463916776, ClinGen allele CA422714885.